The following is an entry in ClinVar:

ClinVar aggregate classification (germline): Uncertain significance (1 of 4 stars; one submission).

Conditions:
ALG9 congenital disorder of glycosylation (CDG1L). Also called: ALG9-CDG; CONGENITAL DISORDER OF GLYCOSYLATION, TYPE Il; CDG Il. Identifiers: Orphanet 79328, MedGen C2931006, MONDO:0012117, OMIM 608776.

Allele frequency attached by ClinVar (database versions not stated): gnomAD 0.00001; ExAC 0.00002; gnomAD exomes 0.00003.
gnomAD v4.1: 45 of 1,613,326 alleles (0.0028%); highest among the groups gnomAD compares: Admixed American, 0.012%; no homozygotes.

Submission:

Labcorp Genetics (formerly Invitae), Labcorp
Classification: Uncertain significance for ALG9 congenital disorder of glycosylation. Last evaluated: 2024-12-18. Review status: criteria provided, single submitter. Criteria: Invitae Variant Classification Sherloc (09022015). Collection method: clinical testing. Allele origin: germline.
Comment: This sequence change replaces tyrosine, which is neutral and polar, with histidine, which is basic and polar, at codon 128 of the ATP6V0A2 protein (p.Tyr128His). This variant is present in population databases (rs764787363, gnomAD 0.01%). This variant has not been reported in the literature in individuals affected with ATP6V0A2-related conditions. ClinVar contains an entry for this variant (Variation ID: 2421147). Invitae Evidence Modeling of protein sequence and biophysical properties (such as structural, functional, and spatial information, amino acid conservation, physicochemical variation, residue mobility, and thermodynamic stability) indicates that this missense variant is not expected to disrupt ATP6V0A2 protein function with a negative predictive value of 80%. In summary, the available evidence is currently insufficient to determine the role of this variant in disease. Therefore, it has been classified as a Variant of Uncertain Significance.

NM_012463.4(ATP6V0A2):c.382T>C (p.Tyr128His)

Gene: ATP6V0A2 (ATPase H+ transporting V0 subunit a2; plus strand). Cytogenetic location: 12q24.31.
Variant type: single nucleotide variant.
Coding change: c.382T>C on transcript NM_012463.4 (MANE Select); coding-DNA position 382, T replaced by C.
Protein change: p.Tyr128His; replaces tyrosine 128 with histidine.
Molecular consequence: missense variant.
Genome position (GRCh38, 1-based): chr12:123,724,741, T>C. VCF-style: chr12-123724741-T-C. GRCh37 (hg19) VCF-style: chr12-124209288-T-C.
Other names: short protein forms Y128H.
Identifiers: ClinVar variation 2421147 (VCV002421147.6), dbSNP rs764787363, ClinGen allele CA6861588.
Genomic context (GRCh38, chr12:123,724,741, plus strand): 5'-CTGAGAGAAGTCACTAAGAACAAGGAGAAACTGAGGAAAAACTTGCTGGAACTGATAGAG[T>C]ACACTCACATGCTGAGAGTGACAAAGACCTTTGTGAAACGCAATGTTGAGGTACTGAACA-3'
Protein context (NP_036595.2, residues 118-138): LRKNLLELIE[Tyr128His]THMLRVTKTF